The following is an entry in ClinVar:

NM_001366900.1(TTC21A):c.3518C>T (p.Ala1173Val)

Gene: TTC21A (tetratricopeptide repeat domain 21A; plus strand). Cytogenetic location: 3p22.2.
Variant type: single nucleotide variant.
Coding change: c.3518C>T on transcript NM_001366900.1 (MANE Select); coding-DNA position 3518, C replaced by T.
Protein change: p.Ala1173Val; replaces alanine 1173 with valine.
Molecular consequence: missense variant. On other transcripts: non-coding transcript variant (3).
Genome position (GRCh38, 1-based): chr3:39,137,553, C>T. VCF-style: chr3-39137553-C-T. GRCh37 (hg19) VCF-style: chr3-39179044-C-T.
Other names: c.3395C>T, p.Ala1132Val (NM_001105513.3); c.3542C>T, p.Ala1181Val (NM_001366899.1); c.3539C>T, p.Ala1180Val (NM_145755.3); short protein forms A1132V, A1173V, A1180V, A1181V.
Identifiers: ClinVar variation 5019596 (VCV005019596.2).

ClinVar aggregate classification (germline): Uncertain significance (1 of 4 stars; one submission).

Conditions:
Spermatogenic failure 37. Identifiers: MedGen C5193091, MONDO:0032744, OMIM 618429.

gnomAD v4.1: 45 of 1,614,108 alleles (0.0028%); highest among the groups gnomAD compares: South Asian, 0.026%; no homozygotes.

Submission:

Juno Genomics, Hangzhou Juno Genomics, Inc
Classification: Uncertain significance for Spermatogenic failure 37. Review status: criteria provided, single submitter. Criteria: ACMG Guidelines, 2015. Collection method: clinical testing. Allele origin: germline.
Comment: Absent from controls (or at extremely low frequency if recessive) in Genome Aggregation Database.;Multiple lines of computational evidence support a deleterious effect on the gene or gene product.